The following is an entry in ClinVar:

NM_030632.3(ASXL3):c.751A>C (p.Ile251Leu)

Gene: ASXL3 (ASXL transcriptional regulator 3; plus strand). Cytogenetic location: 18q12.1.
Variant type: single nucleotide variant.
Coding change: c.751A>C on transcript NM_030632.3 (MANE Select); coding-DNA position 751, A replaced by C.
Protein change: p.Ile251Leu; replaces isoleucine 251 with leucine.
Molecular consequence: missense variant.
Genome position (GRCh38, 1-based): chr18:33,683,440, A>C. VCF-style: chr18-33683440-A-C. GRCh37 (hg19) VCF-style: chr18-31263404-A-C.
Other names: short protein forms I251L.
Identifiers: ClinVar variation 4883541 (VCV004883541.2).

ClinVar aggregate classification (germline): Uncertain significance (1 of 4 stars; one submission).

Submission:

Dasa
Classification: Uncertain significance. Last evaluated: 2026-01-29. Review status: criteria provided, single submitter. Criteria: DASA Assertion Criteria. Collection method: clinical testing. Allele origin: germline.
Comment: NM_030632.3(ASXL3):c.751A>C (p.Ile251Leu) is a missense variant that results in the substitution of isoleucine with leucine. This variant is rare in population databases. The currently available literature and clinical evidence are not sufficient to establish a definitive association between this variant and the reported condition. Therefore, this variant is classified as a variant of uncertain significance.